The following is an entry in ClinVar:

ClinVar aggregate classification (germline): Likely benign (1 of 4 stars; one submission).

Allele frequency attached by ClinVar (database versions not stated): gnomAD exomes 0.00099; gnomAD 0.00114; TOPMed 0.00122; ExAC 0.00125; 1000 Genomes Project 30x 0.00016; 1000 Genomes Project 0.00020; ESP Exome Variant Server 0.00085.
gnomAD v4.1: 1,677 of 1,614,146 alleles (0.1%); highest among the groups gnomAD compares: Middle Eastern, 0.91%; 8 homozygotes.

Submission:

CeGaT Center for Human Genetics Tuebingen
Classification: Likely benign. Last evaluated: 2022-09-01. Review status: criteria provided, single submitter. Criteria: CeGaT Center For Human Genetics Tuebingen Variant Classification Criteria Version 2. Collection method: clinical testing. Allele origin: germline. Affected: yes. Observed: 1 variant allele.
Comment: SUPT6H: BP4, BP7

NM_003170.5(SUPT6H):c.5019C>T (p.Asp1673=)

Gene: SUPT6H (SPT6 homolog, histone chaperone and transcription elongation factor; plus strand). Cytogenetic location: 17q11.2.
Variant type: single nucleotide variant.
Coding change: c.5019C>T on transcript NM_003170.5 (MANE Select); coding-DNA position 5019, C replaced by T.
Protein change: p.Asp1673=; no amino-acid change (aspartic acid 1673 retained).
Molecular consequence: synonymous variant.
Genome position (GRCh38, 1-based): chr17:28,701,463, C>T. VCF-style: chr17-28701463-C-T. GRCh37 (hg19) VCF-style: chr17-27028481-C-T.
Other names: c.5019C>T, p.Asp1673= (NM_001320755.2).
Identifiers: ClinVar variation 2647600 (VCV002647600.24), dbSNP rs141402115, ClinGen allele CA8465501.